The following is an entry in ClinVar:

NM_001734.5(C1S):c.385G>T (p.Ala129Ser)

Gene: C1S (complement C1s; plus strand). Cytogenetic location: 12p13.31.
Variant type: single nucleotide variant.
Coding change: c.385G>T on transcript NM_001734.5 (MANE Select); coding-DNA position 385, G replaced by T.
Protein change: p.Ala129Ser; replaces alanine 129 with serine.
Molecular consequence: missense variant. On other transcripts: 5 prime UTR variant (1).
Genome position (GRCh38, 1-based): chr12:7,063,061, G>T. VCF-style: chr12-7063061-G-T. GRCh37 (hg19) VCF-style: chr12-7170365-G-T.
Other names: c.-117G>T (NM_001346850.2); c.385G>T, p.Ala129Ser (NM_201442.4); short protein forms A129S.
Identifiers: ClinVar variation 2842943 (VCV002842943.3), dbSNP rs2135721756, ClinGen allele CA383689924.

ClinVar aggregate classification (germline): Uncertain significance (1 of 4 stars; one submission).

Allele frequency attached by ClinVar (database versions not stated): gnomAD exomes below 0.00001.

Submission:

Labcorp Genetics (formerly Invitae), Labcorp
Classification: Uncertain significance. Last evaluated: 2023-03-04. Review status: criteria provided, single submitter. Criteria: Invitae Variant Classification Sherloc (09022015). Collection method: clinical testing. Allele origin: germline.
Comment: This sequence change replaces alanine, which is neutral and non-polar, with serine, which is neutral and polar, at codon 129 of the C1S protein (p.Ala129Ser). This variant is not present in population databases (gnomAD no frequency). This variant has not been reported in the literature in individuals affected with C1S-related conditions. An algorithm developed to predict the effect of missense changes on protein structure and function (PolyPhen-2) suggests that this variant is likely to be disruptive. In summary, the available evidence is currently insufficient to determine the role of this variant in disease. Therefore, it has been classified as a Variant of Uncertain Significance.